The following is an entry in ClinVar:

ClinVar aggregate classification (germline): Uncertain significance (1 of 4 stars; one submission).

Allele frequency attached by ClinVar (database versions not stated): gnomAD 0.00001; TOPMed 0.00001.
gnomAD v4.1: 1 of 1,610,696 alleles (0.000062%); highest among the groups gnomAD compares: Non-Finnish European, 0.000085%; no homozygotes.

Submission:

Labcorp Genetics (formerly Invitae), Labcorp
Classification: Uncertain significance. Last evaluated: 2025-05-05. Review status: criteria provided, single submitter. Criteria: Invitae Variant Classification Sherloc (09022015). Collection method: clinical testing. Allele origin: germline.
Comment: This sequence change replaces glutamine, which is neutral and polar, with glutamic acid, which is acidic and polar, at codon 1043 of the MBTPS1 protein (p.Gln1043Glu). This variant is not present in population databases (gnomAD no frequency). This variant has not been reported in the literature in individuals affected with MBTPS1-related conditions. ClinVar contains an entry for this variant (Variation ID: 1978694). An algorithm developed to predict the effect of missense changes on protein structure and function (PolyPhen-2) suggests that this variant is likely to be tolerated. In summary, the available evidence is currently insufficient to determine the role of this variant in disease. Therefore, it has been classified as a Variant of Uncertain Significance.

NM_003791.4(MBTPS1):c.3127C>G (p.Gln1043Glu)

Gene: MBTPS1 (membrane bound transcription factor peptidase, site 1; minus strand). Cytogenetic location: 16q23.3.
Variant type: single nucleotide variant.
Coding change: c.3127C>G on transcript NM_003791.4 (MANE Select); coding-DNA position 3127, C replaced by G.
Protein change: p.Gln1043Glu; replaces glutamine 1043 with glutamic acid.
Molecular consequence: missense variant.
Genome position (GRCh38, 1-based): chr16:84,054,481, G>C on the plus strand (C>G on the coding strand, the complement: MBTPS1 is on the minus strand). VCF-style: chr16-84054481-G-C. GRCh37 (hg19) VCF-style: chr16-84088086-G-C.
Other names: short protein forms Q1043E.
Identifiers: ClinVar variation 1978694 (VCV001978694.4), dbSNP rs1202857170, ClinGen allele CA396923700.
Genomic context (GRCh38, chr16:84,054,481, plus strand): 5'-TGGCCCTCACGGTCAGCCAGGCTGCCGGTCACACCGAAGGGGTCTTTGGCGGGTGAACCT[G>C]CTGCATGAGCTGCGGGCGCTTCACCCTGGGCTTCCTCCGCTTCGGCCTGCTCTTGGCCTT-3'
Protein context (NP_003782.1, residues 1033-1052): PRVKRPQLMQ[Gln1043Glu]VHPPKTPSV